The following is an entry in ClinVar:

NM_001352027.3(PHF21A):c.2020T>C (p.Cys674Arg)

Gene: PHF21A (PHD finger protein 21A; minus strand). Cytogenetic location: 11p11.2.
Variant type: single nucleotide variant.
Coding change: c.2020T>C on transcript NM_001352027.3 (MANE Select); coding-DNA position 2020, T replaced by C.
Protein change: p.Cys674Arg; replaces cysteine 674 with arginine.
Molecular consequence: missense variant. On other transcripts: non-coding transcript variant (2).
Genome position (GRCh38, 1-based): chr11:45,933,994, A>G on the plus strand (T>C on the coding strand, the complement: PHF21A is on the minus strand). VCF-style: chr11-45933994-A-G. GRCh37 (hg19) VCF-style: chr11-45955545-A-G.
Other names: c.2017T>C, p.Cys673Arg (NM_001101802.3); c.2020T>C, p.Cys674Arg (NM_001352025.3, NM_001352026.3); c.1879T>C, p.Cys627Arg (NM_001352028.1, NM_001352029.1, NM_016621.5); c.1876T>C, p.Cys626Arg (NM_001352030.3, NM_001352031.3, NM_001352032.3); short protein forms C626R, C673R, C627R, C674R.
Identifiers: ClinVar variation 3651894 (VCV003651894.2).

ClinVar aggregate classification (germline): Uncertain significance (1 of 4 stars; one submission).

gnomAD v4.1: 1 of 1,584,414 alleles (0.000063%); highest among the groups gnomAD compares: Non-Finnish European, 0.000086%; no homozygotes.

Submission:

Labcorp Genetics (formerly Invitae), Labcorp
Classification: Uncertain significance. Last evaluated: 2024-07-09. Review status: criteria provided, single submitter. Criteria: Invitae Variant Classification Sherloc (09022015). Collection method: clinical testing. Allele origin: germline.
Comment: This sequence change replaces cysteine, which is neutral and slightly polar, with arginine, which is basic and polar, at codon 673 of the PHF21A protein (p.Cys673Arg). This variant is not present in population databases (gnomAD no frequency). This variant has not been reported in the literature in individuals affected with PHF21A-related conditions. An algorithm developed to predict the effect of missense changes on protein structure and function (PolyPhen-2) suggests that this variant is likely to be disruptive. In summary, the available evidence is currently insufficient to determine the role of this variant in disease. Therefore, it has been classified as a Variant of Uncertain Significance.